The following is an entry in ClinVar:

NM_181784.3(SPRED2):c.1069C>T (p.Pro357Ser)

Gene: SPRED2 (sprouty related EVH1 domain containing 2; minus strand). Cytogenetic location: 2p14.
Variant type: single nucleotide variant.
Coding change: c.1069C>T on transcript NM_181784.3 (MANE Select); coding-DNA position 1069, C replaced by T.
Protein change: p.Pro357Ser; replaces proline 357 with serine.
Molecular consequence: missense variant.
Genome position (GRCh38, 1-based): chr2:65,313,689, G>A on the plus strand (C>T on the coding strand, the complement: SPRED2 is on the minus strand). VCF-style: chr2-65313689-G-A. GRCh37 (hg19) VCF-style: chr2-65540823-G-A.
Other names: c.1060C>T, p.Pro354Ser (NM_001128210.2); short protein forms P354S, P357S.
Identifiers: ClinVar variation 5020692 (VCV005020692.1).

ClinVar aggregate classification (germline): Uncertain significance (1 of 4 stars; one submission).

gnomAD v4.1: 1 of 1,614,154 alleles (0.000062%); highest among the groups gnomAD compares: South Asian, 0.0011%; no homozygotes.

Submission:

Dasa
Classification: Uncertain significance. Last evaluated: 2026-03-12. Review status: criteria provided, single submitter. Criteria: DASA Assertion Criteria. Collection method: clinical testing. Allele origin: germline.
Comment: NM_181784.3(SPRED2):c.1069C>T (p.Pro357Ser) is a missense variant that results in the substitution of proline with serine. This variant has been observed in affected individuals with SPRED2-related disorders. Also, this variant is rare in population databases. Computational prediction algorithms are consistent with a benign effect. The currently available literature and clinical evidence are not sufficient to establish a definitive association between this variant and the reported condition. Therefore, this variant is classified as a variant of uncertain significance.